The following is an entry in ClinVar:

NM_000089.4(COL1A2):c.97-3T>C

Gene: COL1A2 (collagen type I alpha 2 chain; plus strand). Cytogenetic location: 7q21.3.
Variant type: single nucleotide variant.
Coding change: c.97-3T>C on transcript NM_000089.4 (MANE Select); 3 bases into the intron before coding-DNA position 97, T replaced by C.
Molecular consequence: intron variant.
Genome position (GRCh38, 1-based): chr7:94,399,046, T>C. VCF-style: chr7-94399046-T-C. GRCh37 (hg19) VCF-style: chr7-94028358-T-C.
Identifiers: ClinVar variation 3753014 (VCV003753014.2).
Genomic context (GRCh38, chr7:94,399,046, plus strand): 5'-GTTTGTTCACTGGAAATTACTTCTTAGGCATTTATTATTGTCCTGTTTGTATCTTTCCTG[T>C]AGGGCCCAGCCGGAGATAGAGGACCACGTGGAGAAAGGGTGTGTAATTTTTGAACTATAA-3'

ClinVar aggregate classification (germline): Uncertain significance (1 of 4 stars; one submission).

Conditions:
Ehlers-Danlos syndrome, classic type, 1 (EDSCL1). Also called: EHLERS-DANLOS SYNDROME, GRAVIS TYPE; EHLERS-DANLOS SYNDROME, SEVERE CLASSIC TYPE; Ehlers-Danlos syndrome, type 1; Ehlers-Danlos Syndrome, Classic Type, COL5A1-Related; EDS I. Identifiers: MedGen C0268335, MONDO:0019567, OMIM 130000.
Osteogenesis imperfecta type I (OI1). Also called: OI, TYPE I; OSTEOGENESIS IMPERFECTA TARDA; OSTEOGENESIS IMPERFECTA WITH BLUE SCLERAE; Osteogenesis imperfecta type 1; Lobstein's Disease; Lobstein disease. Identifiers: Orphanet 216796, Orphanet 666, MedGen C0023931, MONDO:0008146, OMIM 166200. Disease mechanism: loss of function.

gnomAD v4.1: 2 of 1,613,556 alleles (0.00012%); highest among the groups gnomAD compares: Admixed American, 0.0017%; no homozygotes.

Submission:

Labcorp Genetics (formerly Invitae), Labcorp
Classification: Uncertain significance for Osteogenesis imperfecta type I; Ehlers-Danlos syndrome, classic type, 1. Last evaluated: 2024-06-05. Review status: criteria provided, single submitter. Criteria: Invitae Variant Classification Sherloc (09022015). Collection method: clinical testing. Allele origin: germline.
Comment: This sequence change falls in intron 3 of the COL1A2 gene. It does not directly change the encoded amino acid sequence of the COL1A2 protein. It affects a nucleotide within the consensus splice site. This variant is present in population databases (no rsID available, gnomAD 0.01%). This variant has not been reported in the literature in individuals affected with COL1A2-related conditions. Variants that disrupt the consensus splice site are a relatively common cause of aberrant splicing (PMID: 17576681, 9536098). Algorithms developed to predict the effect of sequence changes on RNA splicing suggest that this variant is not likely to affect RNA splicing. In summary, the available evidence is currently insufficient to determine the role of this variant in disease. Therefore, it has been classified as a Variant of Uncertain Significance.

Literature cited by the submitters: PubMed 17576681; PubMed 9536098.